The following is an entry in ClinVar:

ClinVar aggregate classification (germline): Benign/Likely benign. Review status: criteria provided, multiple submitters, no conflicts (2 of 4 stars). 4 submissions from 4 submitters: Benign (1); Likely benign (2). 1 of the submissions does not count toward it. Last evaluated 2026-01-14.

Conditions:
EPG5-related disorder. Also called: EPG5-related condition. Identifiers: MedGen CN381528.
Vici syndrome (VICIS). Identifiers: Orphanet 1493, MedGen C1855772, MONDO:0009452, OMIM 242840.

Allele frequency attached by ClinVar (database versions not stated): gnomAD exomes 0.00011 and 0.00030; ExAC 0.00044; ESP Exome Variant Server 0.00112; gnomAD 0.00147 and 0.00156; TOPMed 0.00171; 1000 Genomes Project 30x 0.00172; 1000 Genomes Project 0.00180.
gnomAD v4.1: 391 of 1,614,272 alleles (0.024%); highest among the groups gnomAD compares: African/African-American, 0.47%; no homozygotes.

Submissions (4):

Labcorp Genetics (formerly Invitae), Labcorp
Classification: Benign for Vici syndrome. Last evaluated: 2026-01-14. Review status: criteria provided, single submitter. Criteria: Invitae Variant Classification Sherloc (09022015). Collection method: clinical testing. Allele origin: germline.

Blueprint Genetics
Classification: Likely benign. Last evaluated: 2024-09-17. Review status: criteria provided, single submitter. Criteria: ACMG Guidelines, 2015. Collection method: clinical testing. Allele origin: germline.

Women's Health and Genetics/Laboratory Corporation of America, LabCorp
Classification: Likely benign. Last evaluated: 2024-04-03. Review status: criteria provided, single submitter. Criteria: LabCorp Variant Classification Summary - May 2015. Collection method: clinical testing. Allele origin: germline.

PreventionGenetics, part of Exact Sciences
Classification: Likely benign for EPG5-related condition. Last evaluated: 2023-11-30. Review status: no assertion criteria provided. Collection method: clinical testing. Allele origin: germline. Not counted in ClinVar's aggregate classification.
Comment: This variant is classified as likely benign based on ACMG/AMP sequence variant interpretation guidelines (Richards et al. 2015 PMID: 25741868, with internal and published modifications).

NM_020964.3(EPG5):c.780A>G (p.Leu260=)

Gene: EPG5 (ectopic P-granules 5 autophagy tethering factor; minus strand). Cytogenetic location: 18q21.1.
Variant type: single nucleotide variant.
Coding change: c.780A>G on transcript NM_020964.3 (MANE Select); coding-DNA position 780, A replaced by G.
Protein change: p.Leu260=; no amino-acid change (leucine 260 retained).
Molecular consequence: synonymous variant.
Genome position (GRCh38, 1-based): chr18:45,954,622, T>C on the plus strand (A>G on the coding strand, the complement: EPG5 is on the minus strand). VCF-style: chr18-45954622-T-C. GRCh37 (hg19) VCF-style: chr18-43534588-T-C.
Identifiers: ClinVar variation 790740 (VCV000790740.16), dbSNP rs186213665, ClinGen allele CA8949890.